The following is an entry in ClinVar:

NM_000217.3(KCNA1):c.524T>C (p.Met175Thr)

Gene: KCNA1 (potassium voltage-gated channel subfamily A member 1; plus strand). Cytogenetic location: 12p13.32.
Variant type: single nucleotide variant.
Coding change: c.524T>C on transcript NM_000217.3 (MANE Select); coding-DNA position 524, T replaced by C.
Protein change: p.Met175Thr; replaces methionine 175 with threonine.
Molecular consequence: missense variant.
Genome position (GRCh38, 1-based): chr12:4,911,902, T>C. VCF-style: chr12-4911902-T-C. GRCh37 (hg19) VCF-style: chr12-5021068-T-C.
Other names: short protein forms M175T.
Identifiers: ClinVar variation 5017305 (VCV005017305.1).
Genomic context (GRCh38, chr12:4,911,902, plus strand): 5'-TGCTCTTCGAGTACCCCGAGAGCTCGGGGCCCGCCAGGGTCATCGCCATCGTCTCCGTCA[T>C]GGTCATCCTCATCTCCATCGTCATCTTTTGCCTGGAGACGCTCCCCGAGCTGAAGGATGA-3'
Protein context (NP_000208.2, residues 165-185): PARVIAIVSV[Met175Thr]VILISIVIFC

ClinVar aggregate classification (germline): Uncertain significance (1 of 4 stars; one submission).

Submission:

GeneDx
Classification: Uncertain significance. Last evaluated: 2026-03-25. Review status: criteria provided, single submitter. Criteria: GeneDx Variant Classification Process June 2021. Collection method: clinical testing. Allele origin: germline.
Comment: Not observed at significant frequency in large population cohorts (gnomAD); In silico analysis supports that this missense variant has a deleterious effect on protein structure/function; Has not been previously published as pathogenic or benign to our knowledge